The following is an entry in ClinVar:

ClinVar aggregate classification (germline): Uncertain significance (1 of 4 stars; one submission).

Allele frequency attached by ClinVar (database versions not stated): gnomAD exomes below 0.00001.
gnomAD v4.1: 1 of 1,614,194 alleles (0.000062%); highest among the groups gnomAD compares: Non-Finnish European, 0.000085%; no homozygotes.

Submission:

CeGaT Center for Human Genetics Tuebingen
Classification: Uncertain significance. Last evaluated: 2024-02-01. Review status: criteria provided, single submitter. Criteria: CeGaT Center For Human Genetics Tuebingen Variant Classification Criteria Version 2. Collection method: clinical testing. Allele origin: germline. Affected: yes. Observed: 1 variant allele.
Comment: SOX2: PM2, PP2, PP3

NM_003106.4(SOX2):c.277G>C (p.Glu93Gln)

Genes: SOX2 (SRY-box transcription factor 2; plus strand), SOX2-OT (SOX2 overlapping transcript; plus strand), LOC108281177 (SOX2 5' regulatory region; plus strand). Cytogenetic location: 3q26.33.
Variant type: single nucleotide variant.
Coding change: c.277G>C on transcript NM_003106.4 (MANE Select); coding-DNA position 277, G replaced by C.
Protein change: p.Glu93Gln; replaces glutamic acid 93 with glutamine.
Molecular consequence: missense variant.
Genome position (GRCh38, 1-based): chr3:181,712,637, G>C. VCF-style: chr3-181712637-G-C. GRCh37 (hg19) VCF-style: chr3-181430425-G-C.
Other names: short protein forms E93Q.
Identifiers: ClinVar variation 3027253 (VCV003027253.22), dbSNP rs104893800, ClinGen allele CA355473526.